The following is an entry in ClinVar:

NM_001927.4(DES):c.793A>C (p.Met265Leu)

Gene: DES (desmin; plus strand). Cytogenetic location: 2q35.
Variant type: single nucleotide variant.
Coding change: c.793A>C on transcript NM_001927.4 (MANE Select); coding-DNA position 793, A replaced by C.
Protein change: p.Met265Leu; replaces methionine 265 with leucine.
Molecular consequence: missense variant. On other transcripts: intron variant (1).
Genome position (GRCh38, 1-based): chr2:219,420,552, A>C. VCF-style: chr2-219420552-A-C. GRCh37 (hg19) VCF-style: chr2-220285274-A-C.
Other names: c.790A>C, p.Met264Leu (NM_001382708.1); c.793A>C, p.Met265Leu (NM_001382710.1, NM_001382711.1, NM_001382712.1); c.523A>C, p.Met175Leu (NM_001382713.1); c.735+206A>C (NM_001382709.1); short protein forms M175L, M264L, M265L.
Identifiers: ClinVar variation 3759168 (VCV003759168.2).

ClinVar aggregate classification (germline): Uncertain significance (1 of 4 stars; one submission).

Conditions:
Desmin-related myofibrillar myopathy (MFM1). Also called: Desminopathy; Desmin related myopathy (former name); Desmin storage myopathy (former name); MYOFIBRILLAR MYOPATHY WITH ARRHYTHMOGENIC RIGHT VENTRICULAR CARDIOMYOPATHY; DESMIN-RELATED MYOPATHY WITH ARRHYTHMOGENIC RIGHT VENTRICULAR CARDIOMYOPATHY; Myofibrillar myopathy 1. Identifiers: Orphanet 363543, Orphanet 98909, MedGen C1832370, MONDO:0011076, OMIM 601419.

Submission:

Labcorp Genetics (formerly Invitae), Labcorp
Classification: Uncertain significance for Desmin-related myofibrillar myopathy. Last evaluated: 2024-10-28. Review status: criteria provided, single submitter. Criteria: Invitae Variant Classification Sherloc (09022015). Collection method: clinical testing. Allele origin: germline.
Comment: This sequence change replaces methionine, which is neutral and non-polar, with leucine, which is neutral and non-polar, at codon 265 of the DES protein (p.Met265Leu). This variant is not present in population databases (gnomAD no frequency). This variant has not been reported in the literature in individuals affected with DES-related conditions. Invitae Evidence Modeling of protein sequence and biophysical properties (such as structural, functional, and spatial information, amino acid conservation, physicochemical variation, residue mobility, and thermodynamic stability) has been performed for this missense variant. However, the output from this modeling did not meet the statistical confidence thresholds required to predict the impact of this variant on DES protein function. In summary, the available evidence is currently insufficient to determine the role of this variant in disease. Therefore, it has been classified as a Variant of Uncertain Significance.